The following is an entry in ClinVar:

ClinVar aggregate classification (germline): Likely pathogenic. Review status: criteria provided, single submitter (1 of 4 stars). 2 submissions from 2 submitters: Likely pathogenic (1). 1 of the submissions does not count toward it. Last evaluated 2025-06-03.

Conditions:
Neurofacioskeletal syndrome with or without renal agenesis. Also called: NEURODEVELOPMENTAL DISORDER WITH CORPUS CALLOSUM AGENESIS, CRANIOFACIAL DYSMORPHISM, AND SKELETAL ANOMALIES, WITH OR WITHOUT RENAL AGENESIS. Identifiers: MedGen C5543070, MONDO:0030966, OMIM 619194.

Allele frequency attached by ClinVar (database versions not stated): gnomAD exomes 0.00001; TOPMed below 0.00001; ExAC 0.00001.
gnomAD v4.1: 17 of 1,583,046 alleles (0.0011%); highest among the groups gnomAD compares: African/African-American, 0.0014%; no homozygotes.

Submissions (2):

Clinical Genetics Laboratory, University Hospital Schleswig-Holstein
Classification: Likely pathogenic for Neurofacioskeletal syndrome with or without renal agenesis. Last evaluated: 2025-06-03. Review status: criteria provided, single submitter. Criteria: ACMG Guidelines, 2015. Collection method: clinical testing. Allele origin: paternal. Affected: yes. Observed: 1 compound heterozygote.
Comment: ACMG criteria applied: PM2, PM3, PP3, PM1_Supporting

OMIM
Classification: Pathogenic for NEUROFACIOSKELETAL SYNDROME WITH RENAL AGENESIS. Last evaluated: 2021-02-18. Review status: no assertion criteria provided. Collection method: literature only. Allele origin: germline. Not counted in ClinVar's aggregate classification.

Literature cited by the submitters: PubMed 33159882 (cited by OMIM).

NM_012262.4(HS2ST1):c.493G>T (p.Asp165Tyr)

Gene: HS2ST1 (heparan sulfate 2-O-sulfotransferase 1; plus strand). Cytogenetic location: 1p22.3.
Variant type: single nucleotide variant.
Coding change: c.493G>T on transcript NM_012262.4 (MANE Select); coding-DNA position 493, G replaced by T.
Protein change: p.Asp165Tyr; replaces aspartic acid 165 with tyrosine.
Molecular consequence: missense variant.
Genome position (GRCh38, 1-based): chr1:87,092,574, G>T. VCF-style: chr1-87092574-G-T. GRCh37 (hg19) VCF-style: chr1-87558257-G-T.
Other names: c.493G>T, p.Asp165Tyr (NM_001134492.2); short protein forms D165Y.
Identifiers: ClinVar variation 997412 (VCV000997412.2), dbSNP rs758990524, ClinGen allele CA936819.